The following is an entry in ClinVar:

ClinVar aggregate classification (germline): Benign/Likely benign. Review status: criteria provided, multiple submitters, no conflicts (2 of 4 stars). 3 submissions from 3 submitters: Benign (1); Likely benign (2). Last evaluated 2026-07-17.

Conditions:
Hereditary cancer-predisposing syndrome. Also called: Hereditary Cancer Syndrome; Hereditary neoplastic syndrome; Neoplastic Syndromes, Hereditary; Tumor predisposition. Identifiers: Orphanet 140162, MedGen C0027672, MeSH D009386, MONDO:0015356.
Rhabdoid tumor predisposition syndrome 2 (RTPS2). Identifiers: Orphanet 231108, Orphanet 69077, MedGen C2750074, MONDO:0013224, OMIM 613325.

Allele frequency attached by ClinVar (database versions not stated): gnomAD exomes 0.00001.
gnomAD v4.1: 8 of 1,612,994 alleles (0.0005%); highest among the groups gnomAD compares: African/African-American, 0.004%; no homozygotes.

Submissions (3):

Myriad Genetics, Inc.
Classification: Benign for Rhabdoid tumor predisposition syndrome 2. Last evaluated: 2026-07-17. Review status: criteria provided, single submitter. Criteria: Myriad Autosomal Dominant, Autosomal Recessive and X-Linked Classification Criteria (2023). Collection method: clinical testing. Allele origin: unknown.
Comment: This variant is considered benign. This variant is a silent/synonymous amino acid change and it is not expected to impact splicing.

Labcorp Genetics (formerly Invitae), Labcorp
Classification: Likely benign for Rhabdoid tumor predisposition syndrome 2. Last evaluated: 2026-01-25. Review status: criteria provided, single submitter. Criteria: Invitae Variant Classification Sherloc (09022015). Collection method: clinical testing. Allele origin: germline.

Ambry Genetics
Classification: Likely benign for Hereditary cancer-predisposing syndrome. Last evaluated: 2015-10-20. Review status: criteria provided, single submitter. Criteria: Ambry Variant Classification Scheme 2023. Collection method: clinical testing. Allele origin: germline.

NM_003072.5(SMARCA4):c.4101C>T (p.Phe1367=)

Gene: SMARCA4 (SWI/SNF related BAF chromatin remodeling complex subunit ATPase 4; plus strand). Cytogenetic location: 19p13.2.
Variant type: single nucleotide variant.
Coding change: c.4101C>T on transcript NM_003072.5 (MANE Select); coding-DNA position 4101, C replaced by T.
Protein change: p.Phe1367=; no amino-acid change (phenylalanine 1367 retained).
Molecular consequence: synonymous variant. On other transcripts: non-coding transcript variant (1).
Genome position (GRCh38, 1-based): chr19:11,035,063, C>T. VCF-style: chr19-11035063-C-T. GRCh37 (hg19) VCF-style: chr19-11145739-C-T.
Other names: c.4101C>T, p.Phe1367= (NM_001128844.3, NM_001128849.3, NM_001387283.1); c.4002C>T, p.Phe1334= (NM_001128845.2, NM_001128846.2, NM_001128847.4 and 2 more transcripts).
Identifiers: ClinVar variation 415092 (VCV000415092.17), dbSNP rs772075876, ClinGen allele CA16615960.